The following is an entry in ClinVar:

NM_002907.4(RECQL):c.1936dup (p.Ile646fs)

Genes: PYROXD1 (pyridine nucleotide-disulphide oxidoreductase domain 1; plus strand), RECQL (RecQ like helicase; minus strand). Cytogenetic location: 12p12.1.
Variant type: Duplication.
Coding change: c.1936dup on transcript NM_002907.4 (MANE Select); coding-DNA position 1936, one base duplicated (A; older notation c.1936dupA).
Protein change: p.Ile646fs; shifts the reading frame from isoleucine 646.
Molecular consequence: frameshift variant. On other transcripts: 3 prime UTR variant (3).
Genome position (GRCh38, 1-based): chr12:21,470,208, T duplicated on the plus strand (A on the coding strand, the reverse complement: RECQL is on the minus strand); the first of 5 consecutive T bases (chr12:21,470,208-21,470,212); duplicating any one gives the same sequence. VCF-style (leftmost placement, unchanged base first): chr12-21470207-A-AT. GRCh37 (hg19) VCF-style: chr12-21623141-A-AT.
Other names: c.1936dup, p.Ile646fs (NM_032941.3); c.*1458dup (NM_001350912.2, NM_001350913.2, NM_024854.5); short protein forms I646fs.
Identifiers: ClinVar variation 1782967 (VCV001782967.4), dbSNP rs1942901642, ClinGen allele CA2021141612.

ClinVar aggregate classification (germline): Uncertain significance. Review status: criteria provided, single submitter (1 of 4 stars). 2 submissions from 2 submitters: Uncertain significance (1). 1 of the submissions does not count toward it. Last evaluated 2026-08-05.

Conditions:
RECQL-related disorder. Also called: RECQL-related condition.

Submissions (2):

Ambry Genetics
Classification: Uncertain significance. Last evaluated: 2026-08-05. Review status: criteria provided, single submitter. Criteria: Ambry Variant Classification Scheme 2023. Collection method: clinical testing. Allele origin: germline.
Comment: The c.1936dupA variant, located in coding exon 14 of the RECQL gene, results from a duplication of A at nucleotide position 1936, causing a translational frameshift with a predicted alternate stop codon (p.I646Nfs*3). This variant occurs at the 3' terminus of the gene and is not expected to trigger nonsense-mediated mRNA decay. Based on the available evidence, the clinical significance of this variant remains unclear.

PreventionGenetics, part of Exact Sciences
Classification: Uncertain significance for RECQL-related condition. Last evaluated: 2024-06-05. Review status: no assertion criteria provided. Collection method: clinical testing. Allele origin: germline. Not counted in ClinVar's aggregate classification.
Comment: The RECQL c.1936dupA variant is predicted to result in a frameshift and premature protein termination (p.Ile646Asnfs*3). This variant has been reported in an non-smoking individual with lung cancer (Zhang et al. 2021. PubMed ID: 34493867. Table S5). This variant has not been reported in a large population database, indicating this variant is rare. At this time, the clinical significance of this variant is uncertain due to the absence of conclusive functional and genetic evidence.